The following is an entry in ClinVar:

ClinVar aggregate classification (germline): Benign. Review status: criteria provided, multiple submitters, no conflicts (2 of 4 stars). 2 submissions from 2 submitters: Benign (2). Last evaluated 2018-01-12.

Conditions:
Hennekam lymphangiectasia-lymphedema syndrome 1 (HKLLS1). Also called: LYMPHATIC DYSPLASIA, GENERALIZED. Identifiers: Orphanet 2136, MedGen C4012050, MONDO:0009337, OMIM 235510.

Allele frequency attached by ClinVar (database versions not stated): gnomAD 0.02212 and 0.02333; TOPMed 0.02763; 1000 Genomes Project 30x 0.05137; 1000 Genomes Project 0.05252.

Submissions (2):

Illumina Laboratory Services, Illumina
Classification: Benign for Hennekam lymphangiectasia-lymphedema syndrome 1. Last evaluated: 2018-01-12. Review status: criteria provided, single submitter. Criteria: ICSL Variant Classification Criteria 13 December 2019. Collection method: clinical testing. Allele origin: germline.
Comment: This variant was observed in the ICSL laboratory as part of a predisposition screen in an ostensibly healthy population. It had not been previously curated by ICSL or reported in the Human Gene Mutation Database (HGMD: prior to June 1st, 2018), and was therefore a candidate for classification through an automated scoring system. Utilizing variant allele frequency, disease prevalence and penetrance estimates, and inheritance mode, an automated score was calculated to assess if this variant is too frequent to cause the disease. Based on the score and internal cut-off values, a variant classified as benign is not then subjected to further curation. The score for this variant resulted in a classification of benign for this disease.

Breakthrough Genomics
Classification: Benign. Review status: criteria provided, single submitter. Criteria: ACMG Guidelines, 2015. Collection method: not provided. Allele origin: germline. Inheritance: Autosomal recessive inheritance. Affected: yes.

NM_133459.4(CCBE1):c.*2673G>A

Gene: CCBE1 (collagen and calcium binding EGF domains 1; minus strand). Cytogenetic location: 18q21.32.
Variant type: single nucleotide variant.
Coding change: c.*2673G>A on transcript NM_133459.4 (MANE Select); 2673 bases downstream of the stop codon, G replaced by A.
Molecular consequence: 3 prime UTR variant.
Genome position (GRCh38, 1-based): chr18:59,433,235, C>T on the plus strand (G>A on the coding strand, the complement: CCBE1 is on the minus strand). VCF-style: chr18-59433235-C-T. GRCh37 (hg19) VCF-style: chr18-57100467-C-T.
Other names: c.*2673G>A (LRG_1209t1).
Identifiers: ClinVar variation 327634 (VCV000327634.6), dbSNP rs115205666, ClinGen allele CA10652026.